The following is an entry in ClinVar:

ClinVar aggregate classification (germline): Uncertain significance. Review status: criteria provided, multiple submitters, no conflicts (2 of 4 stars). 3 submissions from 3 submitters: Uncertain significance (3). Last evaluated 2025-01-01.

Conditions:
Cutis laxa, autosomal dominant 3 (ADCL3). Identifiers: Orphanet 90348, MedGen C4225268, MONDO:0014706, OMIM 616603.
Autosomal dominant spastic paraplegia type 9. Identifiers: MedGen C1832669, MONDO:0015091.
de Barsy syndrome. Also called: Cutis laxa-corneal clouding-oligophrenia syndrome. Identifiers: Orphanet 2962, MedGen C0268354, MONDO:0017569.

Allele frequency attached by ClinVar (database versions not stated): gnomAD exomes 0.00005 and 0.00006; TOPMed 0.00005; ExAC 0.00007; gnomAD 0.00007 and 0.00008; ESP Exome Variant Server 0.00008.
gnomAD v4.1: 82 of 1,613,926 alleles (0.0051%); highest among the groups gnomAD compares: East Asian, 0.027%; no homozygotes.

Submissions (4):

Labcorp Genetics (formerly Invitae), Labcorp
Classification: Uncertain significance for Autosomal dominant spastic paraplegia type 9; de Barsy syndrome; Cutis laxa, autosomal dominant 3. Last evaluated: 2025-01-01. Review status: criteria provided, single submitter. Criteria: Invitae Variant Classification Sherloc (09022015). Collection method: clinical testing. Allele origin: germline.
Comment: This sequence change replaces glycine, which is neutral and non-polar, with arginine, which is basic and polar, at codon 290 of the ALDH18A1 protein (p.Gly290Arg). This variant is present in population databases (rs368147360, gnomAD 0.05%). This variant has not been reported in the literature in individuals affected with ALDH18A1-related conditions. ClinVar contains an entry for this variant (Variation ID: 464043). Invitae Evidence Modeling of protein sequence and biophysical properties (such as structural, functional, and spatial information, amino acid conservation, physicochemical variation, residue mobility, and thermodynamic stability) indicates that this missense variant is not expected to disrupt ALDH18A1 protein function with a negative predictive value of 80%. In summary, the available evidence is currently insufficient to determine the role of this variant in disease. Therefore, it has been classified as a Variant of Uncertain Significance.

GeneDx
Classification: Uncertain significance. Last evaluated: 2024-01-18. Review status: criteria provided, single submitter. Criteria: GeneDx Variant Classification Process June 2021. Collection method: clinical testing. Allele origin: germline. Affected: yes.
Comment: Has not been previously published as pathogenic or benign to our knowledge; In silico analysis supports that this missense variant does not alter protein structure/function

Baylor Genetics
Classification: Uncertain significance for Cutis laxa, autosomal dominant 3. Last evaluated: 2019-02-01. Review status: criteria provided, single submitter. Criteria: ACMG Guidelines, 2015. Collection method: clinical testing. Allele origin: paternal. Affected: yes.
Comment: This variant was determined to be of uncertain significance according to ACMG Guidelines, 2015 [PMID:25741868].

Dr. Peter K. Rogan Lab, Western University
No classification provided (evidence only). Condition: Uterine carcinosarcoma. Review status: no classification provided. Collection method: in vitro. Allele origin: not applicable. Functional consequence: retained intron. Not counted in ClinVar's aggregate classification.

NM_002860.4(ALDH18A1):c.868G>A (p.Gly290Arg)

Gene: ALDH18A1 (aldehyde dehydrogenase 18 family member A1; minus strand). Cytogenetic location: 10q24.1.
Variant type: single nucleotide variant.
Coding change: c.868G>A on transcript NM_002860.4 (MANE Select); coding-DNA position 868, G replaced by A.
Protein change: p.Gly290Arg; replaces glycine 290 with arginine.
Molecular consequence: missense variant.
Genome position (GRCh38, 1-based): chr10:95,628,433, C>T on the plus strand (G>A on the coding strand, the complement: ALDH18A1 is on the minus strand). VCF-style: chr10-95628433-C-T. GRCh37 (hg19) VCF-style: chr10-97388190-C-T.
Other names: c.862G>A, p.Gly288Arg (NM_001017423.2, NM_001323415.2); c.535G>A, p.Gly179Arg (NM_001323412.2, NM_001323416.2); c.868G>A, p.Gly290Arg (NM_001323413.2, NM_001323414.2); c.763G>A, p.Gly255Arg (NM_001323417.2); c.529G>A, p.Gly177Arg (NM_001323418.2); c.232G>A, p.Gly78Arg (NM_001323419.2); short protein forms G290R, G255R, G78R, G288R, G177R, G179R.
Identifiers: ClinVar variation 464043 (VCV000464043.14), dbSNP rs368147360, ClinGen allele CA5620488.